The following is an entry in ClinVar:

NM_000702.4(ATP1A2):c.2449A>C (p.Ile817Leu)

Gene: ATP1A2 (ATPase Na+/K+ transporting subunit alpha 2; plus strand). Cytogenetic location: 1q23.2.
Variant type: single nucleotide variant.
Coding change: c.2449A>C on transcript NM_000702.4 (MANE Select); coding-DNA position 2449, A replaced by C.
Protein change: p.Ile817Leu; replaces isoleucine 817 with leucine.
Molecular consequence: missense variant.
Genome position (GRCh38, 1-based): chr1:160,136,256, A>C. VCF-style: chr1-160136256-A-C. GRCh37 (hg19) VCF-style: chr1-160106046-A-C.
Other names: short protein forms I817L.
Identifiers: ClinVar variation 3901336 (VCV003901336.1).

ClinVar aggregate classification (germline): Uncertain significance (1 of 4 stars; one submission).

Submission:

GeneDx
Classification: Uncertain significance. Last evaluated: 2024-12-09. Review status: criteria provided, single submitter. Criteria: GeneDx Variant Classification Process June 2021. Collection method: clinical testing. Allele origin: germline. Affected: yes.
Comment: Not observed at significant frequency in large population cohorts (gnomAD); In silico analysis indicates that this missense variant does not alter protein structure/function; Has not been previously published as pathogenic or benign to our knowledge